The following is an entry in ClinVar:

ClinVar aggregate classification (germline): Pathogenic. Review status: criteria provided, multiple submitters, no conflicts (2 of 4 stars). 3 submissions from 3 submitters: Pathogenic (3). Last evaluated 2026-04-01.

Conditions:
Coffin-Lowry syndrome (CLS). Also called: COFFIN-LOWRY SYNDROME, MILD; Mental retardation with osteocartilaginous abnormalities. Identifiers: Orphanet 192, MedGen C0265252, MONDO:0010561, OMIM 303600.
Intellectual developmental disorder, X-linked 19. Also called: Intellectual disability, X-linked 19. Identifiers: Orphanet 777, MedGen C0796225, MONDO:0010447, OMIM 300844.

Submissions (3):

Centro Nacional de Genética Medica, Administración Nacional de Laboratorios e Institutos de Salud (ANLIS) “Dr. Carlos G Malbrán”
Classification: Pathogenic for Coffin-Lowry syndrome. Last evaluated: 2026-04-01. Review status: criteria provided, single submitter. Criteria: ACMG Guidelines, 2015. Collection method: clinical testing. Allele origin: germline. Affected: yes. Observed: 1 variant allele.
Comment: This variant affects the donor splice site of intron 7 and is predicted to abolish normal splice-site recognition, resulting in the inclusion of intronic sequences and the introduction of a premature termination codon five amino acid residues downstream of the deletion. Variants of this type generally lead to degradation of the mutant messenger RNA through the nonsense-mediated decay (NMD) pathway (PMID: 36875494; PMID: 31474762). This variant has been reported twice in the ClinVar database and classified as pathogenic in both submissions, one of which was associated with a phenotype consistent with Coffin–Lowry syndrome (CLS) (Variation ID: 503966; Accession: VCV000503966.7). RPS6KA3 exhibits low tolerance to loss-of-function variants; to date, 102 such variants have been reported, all of which have been classified as pathogenic. In addition, RPS6KA3 has been curated by ClinGen as a haploinsufficient gene with sufficient evidence for dosage sensitivity (score = 3; ISCA-36806). Therefore, this variant is predicted to result in loss of protein production and function (PVS1). In the ClinVar database, two patients carrying this same variant have been reported, including one individual with a phenotype compatible with Coffin–Lowry syndrome (Variation ID: 503966; Accession: VCV000503966.8) (PS2_Supporting). The variant is absent from population databases such as gnomAD, ExAC, and the 1000 Genomes Project (PM2_Supporting). The patient's phenotype is highly specific for Coffin–Lowry syndrome, and the identified variant in RPS6KA3 provides a plausible molecular explanation for the clinical presentation (PP4).

Labcorp Genetics (formerly Invitae), Labcorp
Classification: Pathogenic for Coffin-Lowry syndrome; Intellectual developmental disorder, X-linked 19. Last evaluated: 2021-06-14. Review status: criteria provided, single submitter. Criteria: Invitae Variant Classification Sherloc (09022015). Collection method: clinical testing. Allele origin: germline.
Comment: This sequence change affects a splice site in intron 7 of the RPS6KA3 gene. It is expected to disrupt RNA splicing. Variants that disrupt the donor or acceptor splice site typically lead to a loss of protein function (PMID: 16199547), and loss-of-function variants in RPS6KA3 are known to be pathogenic (PMID: 9837815, 19888300). For these reasons, this variant has been classified as Pathogenic. Algorithms developed to predict the effect of sequence changes on RNA splicing suggest that this variant may disrupt the consensus splice site, but this prediction has not been confirmed by published transcriptional studies. This variant has been observed in individual(s) with Coffin-Lowry syndrome (Invitae). In at least one individual the variant was observed to be de novo. ClinVar contains an entry for this variant (Variation ID: 503966). This variant is not present in population databases (ExAC no frequency).

GeneDx
Classification: Pathogenic. Last evaluated: 2017-12-14. Review status: criteria provided, single submitter. Criteria: GeneDx Variant Classification (06012015). Collection method: clinical testing. Allele origin: germline. Affected: yes.
Comment: The c.593+2_593+5delTAAG pathogenic variant in the RPS6KA3 gene destroys the canonical splice donor site in intron 7. It is predicted to cause abnormal gene splicing, either leading to an abnormal message that is subject to nonsense-mediated mRNA decay, or to an abnormal protein product if the message is used for protein translation. Furthermore, the c.593+2_593+5delTAAG variant is not observed in large population cohorts (Lek et al., 2016).

Literature cited by the submitters: PubMed 36875494 (cited by Centro Nacional de Genética Medica, Administración Nacional de Laboratorios e Institutos de Salud (ANLIS) “Dr. Carlos G Malbrán”); PubMed 31474762 (cited by Centro Nacional de Genética Medica, Administración Nacional de Laboratorios e Institutos de Salud (ANLIS) “Dr. Carlos G Malbrán”); PubMed 16199547 (cited by Labcorp Genetics (formerly Invitae), Labcorp); PubMed 9837815 (cited by Labcorp Genetics (formerly Invitae), Labcorp); PubMed 19888300 (cited by Labcorp Genetics (formerly Invitae), Labcorp).

NM_004586.3(RPS6KA3):c.593+2_593+5del

Gene: RPS6KA3 (ribosomal protein S6 kinase A3; minus strand). Cytogenetic location: Xp22.12.
Variant type: Deletion.
Coding change: c.593+2_593+5del on transcript NM_004586.3 (MANE Select); the canonical splice donor site of the intron after coding-DNA position 593 through 5 bases into the intron after coding-DNA position 593, 4 bases deleted (TAAG; older notation c.593+2_593+5delTAAG).
Molecular consequence: splice donor variant.
Genome position (GRCh38, 1-based): chrX:20,193,482-20,193,485, CTTA deleted on the plus strand (TAAG on the coding strand, the reverse complement: RPS6KA3 is on the minus strand); deleting any 4 consecutive bases within chrX:20,193,482-20,193,488 gives the same sequence; the c. name uses the placement nearest the transcript's 3' end. VCF-style (leftmost placement, unchanged base first): chrX-20193481-CCTTA-C. GRCh37 (hg19) VCF-style: chrX-20211599-CCTTA-C.
Other names: c.593+2_593+5delTAAG (NM_004586.2).
Identifiers: ClinVar variation 503966 (VCV000503966.9), dbSNP rs1555942692, ClinGen allele CA658799620.